The following is an entry in ClinVar:

NM_213655.5(WNK1):c.3617C>G (p.Ser1206Cys)

Gene: WNK1 (WNK lysine deficient protein kinase 1; plus strand). Cytogenetic location: 12p13.33.
Variant type: single nucleotide variant.
Coding change: c.3617C>G on transcript NM_213655.5 (MANE Plus Clinical); coding-DNA position 3617, C replaced by G.
Protein change: p.Ser1206Cys; replaces serine 1206 with cysteine.
Molecular consequence: missense variant. On other transcripts: intron variant (2).
Genome position (GRCh38, 1-based): chr12:869,088, C>G. VCF-style: chr12-869088-C-G. GRCh37 (hg19) VCF-style: chr12-978254-C-G.
Other names: c.3362C>G, p.Ser1121Cys (NM_001184985.2); c.2140-2177C>G (NM_018979.4, NM_014823.3); short protein forms S1121C, S1206C.
Identifiers: ClinVar variation 1061242 (VCV001061242.9), dbSNP rs771730773, ClinGen allele CA6382379.

ClinVar aggregate classification (germline): Uncertain significance (1 of 4 stars; one submission).

Conditions:
Neuropathy, hereditary sensory and autonomic, type 2A (HSAN2A). Also called: MORVAN DISEASE; NEUROPATHY, CONGENITAL SENSORY; NEUROPATHY, HEREDITARY SENSORY RADICULAR, AUTOSOMAL RECESSIVE; NEUROPATHY, HEREDITARY SENSORY, TYPE IIA; NEUROPATHY, PROGRESSIVE SENSORY, OF CHILDREN; WNK1-Related HSAN2 (HSAN2A). Identifiers: Orphanet 970, MedGen C2752089, MONDO:0024309, OMIM 201300.
Pseudohypoaldosteronism type 2C (PHA2C). Also called: Pseudohypoaldosteronism Type IIC. Identifiers: Orphanet 757, Orphanet 88940, MedGen C1840391, MONDO:0013778, OMIM 614492.

Allele frequency attached by ClinVar (database versions not stated): ExAC 0.00001; gnomAD 0.00001.
gnomAD v4.1: 30 of 1,613,912 alleles (0.0019%); highest among the groups gnomAD compares: Non-Finnish European, 0.0025%; no homozygotes.

Submission:

Labcorp Genetics (formerly Invitae), Labcorp
Classification: Uncertain significance for Neuropathy, hereditary sensory and autonomic, type 2A; Pseudohypoaldosteronism type 2C. Last evaluated: 2024-09-17. Review status: criteria provided, single submitter. Criteria: Invitae Variant Classification Sherloc (09022015). Collection method: clinical testing. Allele origin: germline.
Comment: This sequence change replaces serine, which is neutral and polar, with cysteine, which is neutral and slightly polar, at codon 1206 of the WNK1 protein (p.Ser1206Cys). This variant is present in population databases (rs771730773, gnomAD 0.007%). This variant has not been reported in the literature in individuals affected with WNK1-related conditions. ClinVar contains an entry for this variant (Variation ID: 1061242). Invitae Evidence Modeling of protein sequence and biophysical properties (such as structural, functional, and spatial information, amino acid conservation, physicochemical variation, residue mobility, and thermodynamic stability) indicates that this missense variant is not expected to disrupt WNK1 protein function with a negative predictive value of 95%. In summary, the available evidence is currently insufficient to determine the role of this variant in disease. Therefore, it has been classified as a Variant of Uncertain Significance.